The following is an entry in ClinVar:

NM_005228.5(EGFR):c.3601G>A (p.Ala1201Thr)

Gene: EGFR (epidermal growth factor receptor; plus strand). Cytogenetic location: 7p11.2.
Variant type: single nucleotide variant.
Coding change: c.3601G>A on transcript NM_005228.5 (MANE Select); coding-DNA position 3601, G replaced by A.
Protein change: p.Ala1201Thr; replaces alanine 1201 with threonine.
Molecular consequence: missense variant.
Genome position (GRCh38, 1-based): chr7:55,205,585, G>A. VCF-style: chr7-55205585-G-A. GRCh37 (hg19) VCF-style: chr7-55273278-G-A.
Other names: c.3466G>A, p.Ala1156Thr (NM_001346899.2); c.3442G>A, p.Ala1148Thr (NM_001346900.2); c.2800G>A, p.Ala934Thr (NM_001346941.2); short protein forms A1156T, A1201T, A1148T, A934T.
Identifiers: ClinVar variation 856399 (VCV000856399.8), dbSNP rs369585356, ClinGen allele CA4266434.

ClinVar aggregate classification (germline): Conflicting classifications of pathogenicity. Review status: criteria provided, conflicting classifications (1 of 4 stars). 2 submissions from 2 submitters: Uncertain significance (1); Likely benign (1). Last evaluated 2026-01-18.

Conditions:
Hereditary cancer-predisposing syndrome. Also called: Tumor predisposition; Hereditary neoplastic syndrome; Neoplastic Syndromes, Hereditary; Hereditary Cancer Syndrome. Identifiers: Orphanet 140162, MedGen C0027672, MeSH D009386, MONDO:0015356.
EGFR-related lung cancer (EGFR). Identifiers: MedGen CN130014.

Allele frequency attached by ClinVar (database versions not stated): gnomAD exomes below 0.00001 and 0.00001; ExAC 0.00002; TOPMed 0.00002; gnomAD 0.00003; ESP Exome Variant Server 0.00008.
gnomAD v4.1: 20 of 1,613,998 alleles (0.0012%); highest among the groups gnomAD compares: African/African-American, 0.0053%; no homozygotes.

Submissions (2):

Labcorp Genetics (formerly Invitae), Labcorp
Classification: Uncertain significance for EGFR-related lung cancer. Last evaluated: 2026-01-18. Review status: criteria provided, single submitter. Criteria: Invitae Variant Classification Sherloc (09022015). Collection method: clinical testing. Allele origin: germline.
Comment: This sequence change replaces alanine, which is neutral and non-polar, with threonine, which is neutral and polar, at codon 1201 of the EGFR protein (p.Ala1201Thr). This variant is present in population databases (rs369585356, gnomAD 0.002%). This variant has not been reported in the literature in individuals affected with EGFR-related conditions. ClinVar contains an entry for this variant (Variation ID: 856399). An algorithm developed to predict the effect of missense changes on protein structure and function outputs the following: PolyPhen-2: "Possibly Damaging". The threonine amino acid residue is found in multiple mammalian species, which suggests that this missense change does not adversely affect protein function. In summary, the available evidence is currently insufficient to determine the role of this variant in disease. Therefore, it has been classified as a Variant of Uncertain Significance.

Ambry Genetics
Classification: Likely benign for Hereditary cancer-predisposing syndrome. Last evaluated: 2024-12-18. Review status: criteria provided, single submitter. Criteria: Ambry Variant Classification Scheme 2023. Collection method: clinical testing. Allele origin: germline.